The following is an entry in ClinVar:

NM_170606.3(KMT2C):c.6784C>G (p.Pro2262Ala)

Gene: KMT2C (lysine methyltransferase 2C; minus strand). Cytogenetic location: 7q36.1.
Variant type: single nucleotide variant.
Coding change: c.6784C>G on transcript NM_170606.3 (MANE Select); coding-DNA position 6784, C replaced by G.
Protein change: p.Pro2262Ala; replaces proline 2262 with alanine.
Molecular consequence: missense variant.
Genome position (GRCh38, 1-based): chr7:152,181,076, G>C on the plus strand (C>G on the coding strand, the complement: KMT2C is on the minus strand). VCF-style: chr7-152181076-G-C. GRCh37 (hg19) VCF-style: chr7-151878161-G-C.
Other names: short protein forms P2262A.
Identifiers: ClinVar variation 3906815 (VCV003906815.1).

ClinVar aggregate classification (germline): Uncertain significance (1 of 4 stars; one submission).

Submission:

GeneDx
Classification: Uncertain significance. Last evaluated: 2024-12-18. Review status: criteria provided, single submitter. Criteria: GeneDx Variant Classification Process June 2021. Collection method: clinical testing. Allele origin: germline. Affected: yes.
Comment: Not observed at significant frequency in large population cohorts (gnomAD); In silico analysis indicates that this missense variant does not alter protein structure/function; Has not been previously published as pathogenic or benign to our knowledge